The following is an entry in ClinVar:

ClinVar aggregate classification (germline): Uncertain significance (1 of 4 stars; one submission).

Allele frequency attached by ClinVar (database versions not stated): TOPMed 0.00001; gnomAD 0.00002; gnomAD exomes 0.00005.
gnomAD v4.1: 81 of 1,613,660 alleles (0.005%); highest among the groups gnomAD compares: Non-Finnish European, 0.0064%; no homozygotes.

Submission:

Labcorp Genetics (formerly Invitae), Labcorp
Classification: Uncertain significance. Last evaluated: 2022-08-06. Review status: criteria provided, single submitter. Criteria: Invitae Variant Classification Sherloc (09022015). Collection method: clinical testing. Allele origin: germline.
Comment: This sequence change affects codon 627 of the COL13A1 mRNA. It is a 'silent' change, meaning that it does not change the encoded amino acid sequence of the COL13A1 protein. This variant also falls at the last nucleotide of exon 34, which is part of the consensus splice site for this exon. This variant is present in population databases (rs750366383, gnomAD 0.008%). This variant has not been reported in the literature in individuals affected with COL13A1-related conditions. Variants that disrupt the consensus splice site are a relatively common cause of aberrant splicing (PMID: 17576681, 9536098). Algorithms developed to predict the effect of sequence changes on RNA splicing suggest that this variant may disrupt the consensus splice site. In summary, the available evidence is currently insufficient to determine the role of this variant in disease. Therefore, it has been classified as a Variant of Uncertain Significance.

Literature cited by the submitters: PubMed 17576681; PubMed 9536098.

NM_001368882.1(COL13A1):c.1914G>A (p.Pro638=)

Gene: COL13A1 (collagen type XIII alpha 1 chain; plus strand). Cytogenetic location: 10q22.1.
Variant type: single nucleotide variant.
Coding change: c.1914G>A on transcript NM_001368882.1 (MANE Select); coding-DNA position 1914, G replaced by A.
Protein change: p.Pro638=; no amino-acid change (proline 638 retained).
Molecular consequence: synonymous variant. On other transcripts: intron variant (10).
Genome position (GRCh38, 1-based): chr10:69,941,023, G>A. VCF-style: chr10-69941023-G-A. GRCh37 (hg19) VCF-style: chr10-71700779-G-A.
Other names: c.1881G>A, p.Pro627= (NM_001130103.2); c.1791G>A, p.Pro597= (NM_001368883.1); c.1623G>A, p.Pro541= (NM_001368896.1); c.1665G>A, p.Pro555= (NM_080798.4); c.1815G>A, p.Pro605= (NM_080801.4); c.1771-3102G>A (NM_001320951.2); c.1729-3102G>A (NM_001368884.1); c.1735-3102G>A (NM_080802.4); and 7 more.
Identifiers: ClinVar variation 1983429 (VCV001983429.3), dbSNP rs750366383, ClinGen allele CA5534983.
Genomic context (GRCh38, chr10:69,941,023, plus strand): 5'-TGGTCAAACTGTGCCCTTCGTCCAGGGAGCTTCAGGTTTGGACGGCAGGCCTGGGCCACC[G>A]GTGAGTGTCACTTCTCCATCACCCCTCACCCCACTCCACTCCACACCTGGCCTGTGATCC-3'
Protein context (NP_001355811.1, residues 628-648): ASGLDGRPGP[Pro638=]GTPGPIGVPG